The following is an entry in ClinVar:

NM_001267550.2(TTN):c.32806G>A (p.Val10936Met)

Gene: TTN (titin; minus strand). Cytogenetic location: 2q31.2.
Variant type: single nucleotide variant.
Coding change: c.32806G>A on transcript NM_001267550.2 (MANE Select); coding-DNA position 32806, G replaced by A.
Protein change: p.Val10936Met; replaces valine 10936 with methionine.
Molecular consequence: missense variant. On other transcripts: intron variant (3).
Genome position (GRCh38, 1-based): chr2:178,683,999, C>T on the plus strand (G>A on the coding strand, the complement: TTN is on the minus strand). VCF-style: chr2-178683999-C-T. GRCh37 (hg19) VCF-style: chr2-179548726-C-T.
Other names: c.31855G>A, p.Val10619Met (NM_001256850.1); c.29074G>A, p.Val9692Met (NM_133378.4); c.13283-41682G>A (NM_003319.4); c.13859-41682G>A (NM_133437.4); c.13658-41682G>A (NM_133432.3); short protein forms V9692M, V10619M, V10936M.
Identifiers: ClinVar variation 1968781 (VCV001968781.5), dbSNP rs1349733587, ClinGen allele CA349544895.

ClinVar aggregate classification (germline): Uncertain significance (1 of 4 stars; one submission).

Conditions:
Dilated cardiomyopathy 1G (CMD1G). Identifiers: Orphanet 154, MedGen C1858763, MONDO:0011400, OMIM 604145.
Autosomal recessive limb-girdle muscular dystrophy type 2J (LGMDR10). Also called: Limb-girdle muscular dystrophy, type 2J; MUSCULAR DYSTROPHY, LIMB-GIRDLE, AUTOSOMAL RECESSIVE 10. Identifiers: Orphanet 140922, MedGen C1837342, MONDO:0012127, OMIM 608807.

Submission:

Labcorp Genetics (formerly Invitae), Labcorp
Classification: Uncertain significance for Dilated cardiomyopathy 1G; Autosomal recessive limb-girdle muscular dystrophy type 2J. Last evaluated: 2022-02-10. Review status: criteria provided, single submitter. Criteria: Invitae Variant Classification Sherloc (09022015). Collection method: clinical testing. Allele origin: germline.
Comment: The frequency data for this variant in the population databases is considered unreliable, as metrics indicate poor data quality at this position in the gnomAD database. This variant has not been reported in the literature in individuals affected with TTN-related conditions. Experimental studies and prediction algorithms are not available or were not evaluated, and the functional significance of this variant is currently unknown. This sequence change replaces valine, which is neutral and non-polar, with methionine, which is neutral and non-polar, at codon 10936 of the TTN protein (p.Val10936Met). This variant also falls at the last nucleotide of exon 133, which is part of the consensus splice site for this exon. Variants that disrupt the consensus splice site are a relatively common cause of aberrant splicing (PMID: 17576681, 9536098). Algorithms developed to predict the effect of sequence changes on RNA splicing suggest that this variant may disrupt the consensus splice site. In summary, the available evidence is currently insufficient to determine the role of this variant in disease. Therefore, it has been classified as a Variant of Uncertain Significance. This variant is located in the I band of TTN (PMID: 25589632). Variants in this region may be clinically relevant, but have not been definitively shown to cause cardiomyopathy or neuromuscular disease (PMID: 27493940, 32778822).

Literature cited by the submitters: PubMed 17576681; PubMed 9536098; PubMed 25589632; PubMed 27493940; PubMed 32778822.